The following is an entry in ClinVar:

NM_145068.4(TRPV3):c.639T>C (p.Tyr213=)

Gene: TRPV3 (transient receptor potential cation channel subfamily V member 3; minus strand). Cytogenetic location: 17p13.2.
Variant type: single nucleotide variant.
Coding change: c.639T>C on transcript NM_145068.4 (MANE Select); coding-DNA position 639, T replaced by C.
Protein change: p.Tyr213=; no amino-acid change (tyrosine 213 retained).
Molecular consequence: synonymous variant.
Genome position (GRCh38, 1-based): chr17:3,542,526, A>G on the plus strand (T>C on the coding strand, the complement: TRPV3 is on the minus strand). VCF-style: chr17-3542526-A-G. GRCh37 (hg19) VCF-style: chr17-3445820-A-G.
Other names: c.639T>C, p.Tyr213= (NM_001258205.2).
Identifiers: ClinVar variation 3033803 (VCV003033803.2), dbSNP rs1327517114, ClinGen allele CA497456257.

ClinVar aggregate classification (germline): Likely benign (0 of 4 stars; one submission).

Conditions:
TRPV3-related disorder. Also called: TRPV3-related condition.

Allele frequency attached by ClinVar (database versions not stated): gnomAD 0.00003; TOPMed 0.00004.
gnomAD v4.1: 57 of 1,613,264 alleles (0.0035%); highest among the groups gnomAD compares: Non-Finnish European, 0.0046%; no homozygotes.

Submission:

PreventionGenetics, part of Exact Sciences
Classification: Likely benign for TRPV3-related condition. Last evaluated: 2019-06-11. Review status: no assertion criteria provided. Collection method: clinical testing. Allele origin: germline.
Comment: This variant is classified as likely benign based on ACMG/AMP sequence variant interpretation guidelines (Richards et al. 2015 PMID: 25741868, with internal and published modifications).